The following is an entry in ClinVar:

NM_001267550.2(TTN):c.107422G>A (p.Gly35808Ser)

Genes: TTN-AS1 (TTN antisense RNA 1; plus strand), TTN (titin; minus strand). Cytogenetic location: 2q31.2.
Variant type: single nucleotide variant.
Coding change: c.107422G>A on transcript NM_001267550.2 (MANE Select); coding-DNA position 107422, G replaced by A.
Protein change: p.Gly35808Ser; replaces glycine 35808 with serine.
Molecular consequence: missense variant.
Genome position (GRCh38, 1-based): chr2:178,527,704, C>T on the plus strand (G>A on the coding strand, the complement: TTN is on the minus strand). VCF-style: chr2-178527704-C-T. GRCh37 (hg19) VCF-style: chr2-179392431-C-T.
Other names: c.102499G>A, p.Gly34167Ser (NM_001256850.1); c.80227G>A, p.Gly26743Ser (NM_003319.4); c.99718G>A, p.Gly33240Ser (NM_133378.4); c.80602G>A, p.Gly26868Ser (NM_133432.3); c.80803G>A, p.Gly26935Ser (NM_133437.4); short protein forms G26743S, G35808S, G26935S, G26868S, G33240S, G34167S.
Identifiers: ClinVar variation 1373315 (VCV001373315.6), dbSNP rs2154130329, ClinGen allele CA349401014.

ClinVar aggregate classification (germline): Uncertain significance (1 of 4 stars; one submission).

Conditions:
Dilated cardiomyopathy 1G (CMD1G). Identifiers: Orphanet 154, MedGen C1858763, MONDO:0011400, OMIM 604145.
Autosomal recessive limb-girdle muscular dystrophy type 2J (LGMDR10). Also called: Limb-girdle muscular dystrophy, type 2J; MUSCULAR DYSTROPHY, LIMB-GIRDLE, AUTOSOMAL RECESSIVE 10. Identifiers: Orphanet 140922, MedGen C1837342, MONDO:0012127, OMIM 608807.

Submission:

Labcorp Genetics (formerly Invitae), Labcorp
Classification: Uncertain significance for Dilated cardiomyopathy 1G; Autosomal recessive limb-girdle muscular dystrophy type 2J. Last evaluated: 2021-10-27. Review status: criteria provided, single submitter. Criteria: Invitae Variant Classification Sherloc (09022015). Collection method: clinical testing. Allele origin: germline.
Comment: This sequence change replaces glycine with serine at codon 35808 of the TTN protein (p.Gly35808Ser). There is a small physicochemical difference between glycine and serine. This variant is not present in population databases (gnomAD no frequency). This variant has not been reported in the literature in individuals affected with TTN-related conditions. Experimental studies and prediction algorithms are not available or were not evaluated, and the functional significance of this variant is currently unknown. This variant is located in the M band of TTN (PMID: 25589632). Variants in this region may be relevant for neuromuscular disorders, but have not been definitively shown to cause cardiomyopathy (PMID: 23975875). In summary, the available evidence is currently insufficient to determine the role of this variant in disease. Therefore, it has been classified as a Variant of Uncertain Significance.

Literature cited by the submitters: PubMed 25589632; PubMed 23975875.